The following is an entry in ClinVar:

ClinVar aggregate classification (germline): Pathogenic. Review status: criteria provided, multiple submitters, no conflicts (2 of 4 stars). 2 submissions from 2 submitters: Pathogenic (2). Last evaluated 2025-06-04.

Conditions:
Nephrotic syndrome, type 9 (NPHS9). Identifiers: Orphanet 656, MedGen C3809965, MONDO:0014257, OMIM 615573.

Submissions (2):

First Genomix Gene Laboratory, Genetic Diagnostics Department
Classification: Pathogenic for Nephrotic syndrome, type 9. Last evaluated: 2025-06-04. Review status: criteria provided, single submitter. Criteria: ACMG Guidelines, 2015. Collection method: clinical testing. Allele origin: germline. Inheritance: Autosomal recessive inheritance. Affected: no. Observed: 1 variant allele.

Molecular Biology Laboratory, Fundació Puigvert
Classification: Pathogenic for Nephrotic syndrome, type 9. Last evaluated: 2020-02-01. Review status: criteria provided, single submitter. Criteria: ACMG Guidelines, 2015. Collection method: research. Allele origin: germline. Affected: yes. Study: KidneyPanel_2020.

Literature cited by the submitters: PubMed 33532864 (cited by Molecular Biology Laboratory, Fundació Puigvert).

NM_024876.4(COQ8B):c.1035+2T>C

Gene: COQ8B (coenzyme Q8B; minus strand). Cytogenetic location: 19q13.2.
Variant type: single nucleotide variant.
Coding change: c.1035+2T>C on transcript NM_024876.4 (MANE Select); the canonical splice donor site of the intron after coding-DNA position 1035, T replaced by C.
Molecular consequence: splice donor variant.
Genome position (GRCh38, 1-based): chr19:40,700,308, A>G on the plus strand (T>C on the coding strand, the complement: COQ8B is on the minus strand). VCF-style: chr19-40700308-A-G. GRCh37 (hg19) VCF-style: chr19-41206213-A-G.
Other names: c.912+2T>C (NM_001142555.3).
Identifiers: ClinVar variation 974475 (VCV000974475.2), dbSNP rs2082051467, ClinGen allele CA405960590.